The following is an entry in ClinVar:

ClinVar aggregate classification (germline): Uncertain significance (1 of 4 stars; one submission).

Conditions:
Vici syndrome (VICIS). Identifiers: Orphanet 1493, MedGen C1855772, MONDO:0009452, OMIM 242840.

gnomAD v4.1: 1 of 1,611,334 alleles (0.000062%); highest among the groups gnomAD compares: African/African-American, 0.0013%; no homozygotes.

Submission:

Labcorp Genetics (formerly Invitae), Labcorp
Classification: Uncertain significance for Vici syndrome. Last evaluated: 2021-08-31. Review status: criteria provided, single submitter. Criteria: Invitae Variant Classification Sherloc (09022015). Collection method: clinical testing. Allele origin: germline.
Comment: This sequence change replaces proline with leucine at codon 2338 of the EPG5 protein (p.Pro2338Leu). The proline residue is moderately conserved and there is a moderate physicochemical difference between proline and leucine. This variant is not present in population databases (ExAC no frequency). This variant has not been reported in the literature in individuals affected with EPG5-related conditions. Algorithms developed to predict the effect of missense changes on protein structure and function (SIFT, PolyPhen-2, Align-GVGD) all suggest that this variant is likely to be tolerated. In summary, the available evidence is currently insufficient to determine the role of this variant in disease. Therefore, it has been classified as a Variant of Uncertain Significance.

NM_020964.3(EPG5):c.7013C>T (p.Pro2338Leu)

Gene: EPG5 (ectopic P-granules 5 autophagy tethering factor; minus strand). Cytogenetic location: 18q12.3.
Variant type: single nucleotide variant.
Coding change: c.7013C>T on transcript NM_020964.3 (MANE Select); coding-DNA position 7013, C replaced by T.
Protein change: p.Pro2338Leu; replaces proline 2338 with leucine.
Molecular consequence: missense variant.
Genome position (GRCh38, 1-based): chr18:45,858,779, G>A on the plus strand (C>T on the coding strand, the complement: EPG5 is on the minus strand). VCF-style: chr18-45858779-G-A. GRCh37 (hg19) VCF-style: chr18-43438744-G-A.
Other names: short protein forms P2338L.
Identifiers: ClinVar variation 1014612 (VCV001014612.7), dbSNP rs2048570351, ClinGen allele CA402336811.